The following is an entry in ClinVar:

NM_152558.5(IQCE):c.765C>G (p.Tyr255Ter)

Gene: IQCE (IQ motif containing E; plus strand). Cytogenetic location: 7p22.3.
Variant type: single nucleotide variant.
Coding change: c.765C>G on transcript NM_152558.5 (MANE Select); coding-DNA position 765, C replaced by G.
Protein change: p.Tyr255Ter; replaces tyrosine 255 with a stop codon.
Molecular consequence: nonsense.
Genome position (GRCh38, 1-based): chr7:2,583,700, C>G. VCF-style: chr7-2583700-C-G. GRCh37 (hg19) VCF-style: chr7-2623334-C-G.
Other names: c.765C>G, p.Tyr255Ter (NM_001287499.2); c.717C>G, p.Tyr239Ter (NM_001287500.2, NM_001410865.1); c.570C>G, p.Tyr190Ter (NM_001287501.2, NM_001287502.2); short protein forms Y190*, Y239*, Y255*.
Identifiers: ClinVar variation 4530591 (VCV004530591.1).

ClinVar aggregate classification (germline): Pathogenic (1 of 4 stars; one submission).

Conditions:
Polydactyly, postaxial, type a7. Identifiers: MedGen C4539976, MONDO:0060550, OMIM 617642.

gnomAD v4.1: 4 of 1,544,428 alleles (0.00026%); highest among the groups gnomAD compares: Non-Finnish European, 0.00026%; no homozygotes.

Submission:

Institute of Human Genetics, University of Leipzig Medical Center
Classification: Pathogenic for Polydactyly, postaxial, type a7. Last evaluated: 2025-10-09. Review status: criteria provided, single submitter. Criteria: ACMG Guidelines, 2015. Collection method: clinical testing. Allele origin: unknown. Inheritance: Autosomal recessive inheritance. Affected: yes.
Comment: Criteria applied: PVS1,PM2,PM3_SUP,PP4